The following is an entry in ClinVar:

NM_020911.2(PLXNA4):c.2617G>A (p.Gly873Ser)

Gene: PLXNA4 (plexin A4; minus strand). Cytogenetic location: 7q32.3.
Variant type: single nucleotide variant.
Coding change: c.2617G>A on transcript NM_020911.2 (MANE Select); coding-DNA position 2617, G replaced by A.
Protein change: p.Gly873Ser; replaces glycine 873 with serine.
Molecular consequence: missense variant.
Genome position (GRCh38, 1-based): chr7:132,198,606, C>T on the plus strand (G>A on the coding strand, the complement: PLXNA4 is on the minus strand). VCF-style: chr7-132198606-C-T. GRCh37 (hg19) VCF-style: chr7-131883365-C-T.
Other names: c.2617G>A, p.Gly873Ser (NM_001393897.1); short protein forms G873S.
Identifiers: ClinVar variation 5002480 (VCV005002480.1).

ClinVar aggregate classification (germline): Uncertain significance (1 of 4 stars; one submission).

Conditions:
PLXNA4-related disorder. Also called: PLXNA4-related condition.

Submission:

PreventionGenetics, part of Exact Sciences
Classification: Uncertain significance for PLXNA4-related condition. Last evaluated: 2025-05-28. Review status: criteria provided, single submitter. Criteria: ACMG Guidelines, 2015. Collection method: clinical testing. Allele origin: germline.
Comment: The PLXNA4 c.2617G>A variant is predicted to result in the amino acid substitution p.Gly873Ser. To our knowledge, this variant has not been reported in the literature or in a large population database (gnomAD), indicating this variant is rare. At this time, the clinical significance of this variant is uncertain due to the absence of conclusive functional and genetic evidence.